The following is an entry in ClinVar:

NM_001271.4(CHD2):c.5110A>T (p.Ser1704Cys)

Gene: CHD2 (chromodomain helicase DNA binding protein 2; plus strand). Cytogenetic location: 15q26.1.
Variant type: single nucleotide variant.
Coding change: c.5110A>T on transcript NM_001271.4 (MANE Select); coding-DNA position 5110, A replaced by T.
Protein change: p.Ser1704Cys; replaces serine 1704 with cysteine.
Molecular consequence: missense variant.
Genome position (GRCh38, 1-based): chr15:93,020,215, A>T. VCF-style: chr15-93020215-A-T. GRCh37 (hg19) VCF-style: chr15-93563445-A-T.
Other names: short protein forms S1704C.
Identifiers: ClinVar variation 2763759 (VCV002763759.3), dbSNP rs2141895375, ClinGen allele CA393907919.

ClinVar aggregate classification (germline): Uncertain significance (1 of 4 stars; one submission).

Conditions:
Developmental and epileptic encephalopathy 94 (DEE94). Also called: CHD2-Related Neurodevelopmental Disorders; Epileptic encephalopathy, childhood-onset. Identifiers: Orphanet 1942, Orphanet 2382, MedGen C3809278, MONDO:0014150, OMIM 615369.

Submission:

Labcorp Genetics (formerly Invitae), Labcorp
Classification: Uncertain significance for Developmental and epileptic encephalopathy 94. Last evaluated: 2023-09-27. Review status: criteria provided, single submitter. Criteria: Invitae Variant Classification Sherloc (09022015). Collection method: clinical testing. Allele origin: germline.
Comment: In summary, the available evidence is currently insufficient to determine the role of this variant in disease. Therefore, it has been classified as a Variant of Uncertain Significance. Advanced modeling of protein sequence and biophysical properties (such as structural, functional, and spatial information, amino acid conservation, physicochemical variation, residue mobility, and thermodynamic stability) performed at Invitae indicates that this missense variant is not expected to disrupt CHD2 protein function. This variant has not been reported in the literature in individuals affected with CHD2-related conditions. This variant is not present in population databases (gnomAD no frequency). This sequence change replaces serine, which is neutral and polar, with cysteine, which is neutral and slightly polar, at codon 1704 of the CHD2 protein (p.Ser1704Cys).